The following is an entry in ClinVar:

NM_022168.4(IFIH1):c.1207G>A (p.Val403Ile)

Gene: IFIH1 (interferon induced with helicase C domain 1; minus strand). Cytogenetic location: 2q24.2.
Variant type: single nucleotide variant.
Coding change: c.1207G>A on transcript NM_022168.4 (MANE Select); coding-DNA position 1207, G replaced by A.
Protein change: p.Val403Ile; replaces valine 403 with isoleucine.
Molecular consequence: missense variant.
Genome position (GRCh38, 1-based): chr2:162,282,465, C>T on the plus strand (G>A on the coding strand, the complement: IFIH1 is on the minus strand). VCF-style: chr2-162282465-C-T. GRCh37 (hg19) VCF-style: chr2-163138975-C-T.
Other names: short protein forms V403I.
Identifiers: ClinVar variation 1946479 (VCV001946479.5), dbSNP rs2468965617, ClinGen allele CA349002851.

ClinVar aggregate classification (germline): Uncertain significance (1 of 4 stars; one submission).

Conditions:
Aicardi-Goutieres syndrome 7 (AGS7). Identifiers: Orphanet 51, MedGen C3888244, MONDO:0014367, OMIM 615846.
Singleton-Merten syndrome 1 (SGMRT1). Also called: Widened medullary cavities of bone, aortic calcification, abnormal dentition, and muscular weakness; Syndrome of widened medullary cavities of the metacarpals and phalanges, aortic calcification and abnormal dentition. Identifiers: Orphanet 85191, MedGen C4225427, MONDO:0024535, OMIM 182250.

Allele frequency attached by ClinVar (database versions not stated): gnomAD exomes below 0.00001.
gnomAD v4.1: 6 of 1,611,522 alleles (0.00037%); highest among the groups gnomAD compares: Non-Finnish European, 0.00051%; no homozygotes.

Submission:

Labcorp Genetics (formerly Invitae), Labcorp
Classification: Uncertain significance for Aicardi-Goutieres syndrome 7; Singleton-Merten syndrome 1. Last evaluated: 2024-02-19. Review status: criteria provided, single submitter. Criteria: Invitae Variant Classification Sherloc (09022015). Collection method: clinical testing. Allele origin: germline.
Comment: This sequence change replaces valine, which is neutral and non-polar, with isoleucine, which is neutral and non-polar, at codon 403 of the IFIH1 protein (p.Val403Ile). This variant is not present in population databases (gnomAD no frequency). This variant has not been reported in the literature in individuals affected with IFIH1-related conditions. ClinVar contains an entry for this variant (Variation ID: 1946479). Advanced modeling of protein sequence and biophysical properties (such as structural, functional, and spatial information, amino acid conservation, physicochemical variation, residue mobility, and thermodynamic stability) has been performed at Invitae for this missense variant, however the output from this modeling did not meet the statistical confidence thresholds required to predict the impact of this variant on IFIH1 protein function. In summary, the available evidence is currently insufficient to determine the role of this variant in disease. Therefore, it has been classified as a Variant of Uncertain Significance.